The following is an entry in ClinVar:

NM_001035.3(RYR2):c.3486G>A (p.Val1162=)

Gene: RYR2 (ryanodine receptor 2; plus strand). Cytogenetic location: 1q43.
Variant type: single nucleotide variant.
Coding change: c.3486G>A on transcript NM_001035.3 (MANE Select); coding-DNA position 3486, G replaced by A.
Protein change: p.Val1162=; no amino-acid change (valine 1162 retained).
Molecular consequence: synonymous variant.
Genome position (GRCh38, 1-based): chr1:237,569,207, G>A. VCF-style: chr1-237569207-G-A. GRCh37 (hg19) VCF-style: chr1-237732507-G-A.
Other names: c.3486G>A, p.Val1162= (LRG_402t1).
Identifiers: ClinVar variation 390569 (VCV000390569.15), dbSNP rs749237298, ClinGen allele CA086396.
Genomic context (GRCh38, chr1:237,569,207, plus strand): 5'-CCAGCGGTGGCATCAGGGCAATGAACACTATGGGCGCTCTTGGCAAGCAGGCGATGTCGT[G>A]GGGTGTATGGTTGACATGAACGAACACACCATGATGTTCACACTGAATGGTGAAATCCTT-3'
Protein context (NP_001026.2, residues 1152-1172): YGRSWQAGDV[Val1162=]GCMVDMNEHT

ClinVar aggregate classification (germline): Likely benign. Review status: criteria provided, multiple submitters, no conflicts (2 of 4 stars). 5 submissions from 5 submitters: Likely benign (5). Last evaluated 2025-04-19.

Conditions:
Catecholaminergic polymorphic ventricular tachycardia (CVPT). Also called: Catecholamine-induced polymorphic ventricular tachycardia. Identifiers: Orphanet 3286, MedGen C5574922, MONDO:0017990.
Cardiovascular phenotype. Identifiers: MedGen CN230736.
Catecholaminergic polymorphic ventricular tachycardia 1. Also called: RYR2-Related Catecholaminergic Polymorphic Ventricular Tachycardia; VENTRICULAR TACHYCARDIA, CATECHOLAMINERGIC POLYMORPHIC, 1, WITH OR WITHOUT ATRIAL DYSFUNCTION AND/OR DILATED CARDIOMYOPATHY; VENTRICULAR TACHYCARDIA, STRESS-INDUCED POLYMORPHIC 1. Identifiers: Orphanet 3286, MedGen C1631597, MONDO:0011484, OMIM 604772.
Cardiomyopathy (CMYO). Also called: Cardiomyopathies. Identifiers: Orphanet 167848, MedGen C0878544, MONDO:0004994, HP:0001638. Inheritance: Various modes of inheritance.

Allele frequency attached by ClinVar (database versions not stated): TOPMed 0.00001.
gnomAD v4.1: 27 of 1,613,908 alleles (0.0017%); highest among the groups gnomAD compares: Non-Finnish European, 0.0023%; no homozygotes.

Submissions (5):

Labcorp Genetics (formerly Invitae), Labcorp
Classification: Likely benign for Catecholaminergic polymorphic ventricular tachycardia 1. Last evaluated: 2025-04-19. Review status: criteria provided, single submitter. Criteria: Invitae Variant Classification Sherloc (09022015). Collection method: clinical testing. Allele origin: germline.

All of Us Research Program, National Institutes of Health
Classification: Likely benign for Catecholaminergic polymorphic ventricular tachycardia. Last evaluated: 2024-01-11. Review status: criteria provided, single submitter. Criteria: ACMG Guidelines, 2015. Collection method: clinical testing. Allele origin: germline. Inheritance: Autosomal dominant inheritance. Observed: 1 variant allele, 1 heterozygote.
Comment: This study involves interpretation of variants in research participants for the purpose of population health screening. Participant phenotype was not available at the time of variant classification. Additional details can be found in publication PMID: 35346344, PMCID: PMC8962531

Ambry Genetics
Classification: Likely benign for Cardiovascular phenotype. Last evaluated: 2019-11-28. Review status: criteria provided, single submitter. Criteria: Ambry Variant Classification Scheme 2023. Collection method: clinical testing. Allele origin: germline.

Color Diagnostics, LLC DBA Color Health
Classification: Likely benign for Cardiomyopathy. Last evaluated: 2019-03-22. Review status: criteria provided, single submitter. Criteria: ACMG Guidelines, 2015. Collection method: clinical testing. Allele origin: germline.

GeneDx
Classification: Likely benign. Last evaluated: 2016-11-04. Review status: criteria provided, single submitter. Criteria: GeneDx Variant Classification (06012015). Collection method: clinical testing. Allele origin: germline. Affected: yes.
Comment: This variant is considered likely benign or benign based on one or more of the following criteria: it is a conservative change, it occurs at a poorly conserved position in the protein, it is predicted to be benign by multiple in silico algorithms, and/or has population frequency not consistent with disease.